The following is an entry in ClinVar:

NM_004104.5(FASN):c.1346C>G (p.Ala449Gly)

Gene: FASN (fatty acid synthase; minus strand). Cytogenetic location: 17q25.3.
Variant type: single nucleotide variant.
Coding change: c.1346C>G on transcript NM_004104.5 (MANE Select); coding-DNA position 1346, C replaced by G.
Protein change: p.Ala449Gly; replaces alanine 449 with glycine.
Molecular consequence: missense variant.
Genome position (GRCh38, 1-based): chr17:82,091,368, G>C on the plus strand (C>G on the coding strand, the complement: FASN is on the minus strand). VCF-style: chr17-82091368-G-C. GRCh37 (hg19) VCF-style: chr17-80049244-G-C.
Other names: short protein forms A449G.
Identifiers: ClinVar variation 530981 (VCV000530981.8), dbSNP rs1025708321, ClinGen allele CA295137751.
Genomic context (GRCh38, chr17:82,091,368, plus strand): 5'-CCACGGAAGGGCATGGCGGTGGCGGGGACAGCCGCGATGTCGTTCAGCATGCTCAGGAAA[G>C]CCAGGTCCTGGCTGTGCCGGAGGCCCTGCTCCAGCAGCTTCTGCACGGCCTCAGGGGTGC-3'
Protein context (NP_004095.4, residues 439-459): EQGLRHSQDL[Ala449Gly]FLSMLNDIAA

ClinVar aggregate classification (germline): Uncertain significance (1 of 4 stars; one submission).

Conditions:
Epileptic encephalopathy. Identifiers: MedGen C0543888, HP:0200134.

Allele frequency attached by ClinVar (database versions not stated): TOPMed 0.00001.
gnomAD v4.1: 2 of 1,611,092 alleles (0.00012%); highest among the groups gnomAD compares: African/African-American, 0.0027%; no homozygotes.

Submission:

Labcorp Genetics (formerly Invitae), Labcorp
Classification: Uncertain significance for Epileptic encephalopathy. Last evaluated: 2023-05-22. Review status: criteria provided, single submitter. Criteria: Invitae Variant Classification Sherloc (09022015). Collection method: clinical testing. Allele origin: germline.
Comment: ClinVar contains an entry for this variant (Variation ID: 530981). An algorithm developed to predict the effect of missense changes on protein structure and function (PolyPhen-2) suggests that this variant is likely to be tolerated. In summary, the available evidence is currently insufficient to determine the role of this variant in disease. Therefore, it has been classified as a Variant of Uncertain Significance. This sequence change replaces alanine, which is neutral and non-polar, with glycine, which is neutral and non-polar, at codon 449 of the FASN protein (p.Ala449Gly). This variant is not present in population databases (gnomAD no frequency). This variant has not been reported in the literature in individuals affected with FASN-related conditions.